The following is an entry in ClinVar:

NM_003620.4(PPM1D):c.400G>A (p.Glu134Lys)

Gene: PPM1D (protein phosphatase, Mg2+/Mn2+ dependent 1D; plus strand). Cytogenetic location: 17q23.2.
Variant type: single nucleotide variant.
Coding change: c.400G>A on transcript NM_003620.4 (MANE Select); coding-DNA position 400, G replaced by A.
Protein change: p.Glu134Lys; replaces glutamic acid 134 with lysine.
Molecular consequence: missense variant.
Genome position (GRCh38, 1-based): chr17:60,600,814, G>A. VCF-style: chr17-60600814-G-A. GRCh37 (hg19) VCF-style: chr17-58678175-G-A.
Other names: short protein forms E134K.
Identifiers: ClinVar variation 3666018 (VCV003666018.2).

ClinVar aggregate classification (germline): Uncertain significance (1 of 4 stars; one submission).

Submission:

Labcorp Genetics (formerly Invitae), Labcorp
Classification: Uncertain significance. Last evaluated: 2024-02-08. Review status: criteria provided, single submitter. Criteria: Invitae Variant Classification Sherloc (09022015). Collection method: clinical testing. Allele origin: germline.
Comment: This sequence change replaces glutamic acid, which is acidic and polar, with lysine, which is basic and polar, at codon 134 of the PPM1D protein (p.Glu134Lys). This variant is not present in population databases (gnomAD no frequency). This variant has not been reported in the literature in individuals affected with PPM1D-related conditions. An algorithm developed to predict the effect of missense changes on protein structure and function (PolyPhen-2) suggests that this variant is likely to be tolerated. In summary, the available evidence is currently insufficient to determine the role of this variant in disease. Therefore, it has been classified as a Variant of Uncertain Significance.